The following is an entry in ClinVar:

NM_000528.4(MAN2B1):c.1229A>T (p.Gln410Leu)

Gene: MAN2B1 (mannosidase alpha class 2B member 1; minus strand). Cytogenetic location: 19p13.13.
Variant type: single nucleotide variant.
Coding change: c.1229A>T on transcript NM_000528.4 (MANE Select); coding-DNA position 1229, A replaced by T.
Protein change: p.Gln410Leu; replaces glutamine 410 with leucine.
Molecular consequence: missense variant.
Genome position (GRCh38, 1-based): chr19:12,658,225, T>A on the plus strand (A>T on the coding strand, the complement: MAN2B1 is on the minus strand). VCF-style: chr19-12658225-T-A. GRCh37 (hg19) VCF-style: chr19-12769039-T-A.
Other names: c.1226A>T, p.Gln409Leu (NM_001173498.2); short protein forms Q409L, Q410L.
Identifiers: ClinVar variation 1723093 (VCV001723093.2), dbSNP rs763276867, ClinGen allele CA404247706.

ClinVar aggregate classification (germline): Uncertain significance (1 of 4 stars; one submission).

gnomAD v4.1: 1 of 1,614,004 alleles (0.000062%); no homozygotes.

Submission:

GeneDx
Classification: Uncertain significance. Last evaluated: 2022-05-04. Review status: criteria provided, single submitter. Criteria: GeneDx Variant Classification Process June 2021. Collection method: clinical testing. Allele origin: germline. Affected: yes.
Comment: Not observed at significant frequency in large population cohorts (gnomAD); In silico analysis supports that this missense variant has a deleterious effect on protein structure/function; In silico analysis supports a deleterious effect on splicing; Has not been previously published as pathogenic or benign to our knowledge